The following is an entry in ClinVar:

NM_007118.4(TRIO):c.8824C>G (p.Gln2942Glu)

Gene: TRIO (trio Rho guanine nucleotide exchange factor; plus strand). Cytogenetic location: 5p15.2.
Variant type: single nucleotide variant.
Coding change: c.8824C>G on transcript NM_007118.4 (MANE Select); coding-DNA position 8824, C replaced by G.
Protein change: p.Gln2942Glu; replaces glutamine 2942 with glutamic acid.
Molecular consequence: missense variant. On other transcripts: non-coding transcript variant (1).
Genome position (GRCh38, 1-based): chr5:14,507,952, C>G. VCF-style: chr5-14507952-C-G. GRCh37 (hg19) VCF-style: chr5-14508061-C-G.
Other names: c.8824C>G (NM_007118.3); short protein forms Q2942E.
Identifiers: ClinVar variation 596521 (VCV000596521.18), dbSNP rs377248579, ClinGen allele CA3207990.

ClinVar aggregate classification (germline): Conflicting classifications of pathogenicity. Review status: criteria provided, conflicting classifications (1 of 4 stars). 7 submissions from 7 submitters: Uncertain significance (3); Likely benign (3). 1 of the submissions does not count toward it. Last evaluated 2026-01-01.

Conditions:
TRIO-related disorder. Also called: TRIO-related condition; TRIO-related disorders.
Inborn genetic diseases. Identifiers: MedGen C0950123, MeSH D030342.
Neurodevelopmental disorder with hypotonia, impaired language, and dysmorphic features. Also called: Intellectual disability, autosomal dominant 40. Identifiers: Orphanet 692193, MedGen C5676894, MONDO:0014699, OMIM 616579.

Allele frequency attached by ClinVar (database versions not stated): ExAC 0.00007; gnomAD 0.00009; TOPMed 0.00009; gnomAD exomes 0.00007; ESP Exome Variant Server 0.00015.
gnomAD v4.1: 242 of 1,614,066 alleles (0.015%); highest among the groups gnomAD compares: Non-Finnish European, 0.019%; no homozygotes.

Submissions (7):

CeGaT Center for Human Genetics Tuebingen
Classification: Likely benign. Last evaluated: 2026-01-01. Review status: criteria provided, single submitter. Criteria: CeGaT Center For Human Genetics Tuebingen Variant Classification Criteria Version 2. Collection method: clinical testing. Allele origin: germline. Affected: yes. Observed: 1 variant allele.
Comment: TRIO: PP2, BS2

PreventionGenetics, part of Exact Sciences
Classification: Uncertain significance for TRIO-related condition. Last evaluated: 2023-04-06. Review status: criteria provided, single submitter. Criteria: ACMG Guidelines, 2015. Collection method: clinical testing. Allele origin: germline.
Comment: The TRIO c.8824C>G variant is predicted to result in the amino acid substitution p.Gln2942Glu. To our knowledge, this variant has not been reported in the literature. This variant is reported in 0.013% of alleles in individuals of European (Non-Finnish) descent in gnomAD and has conflicting interpretations of pathogenicity in ClinVar or likely benign and uncertain. Although we suspect that this variant may be benign, at this time, the clinical significance of this variant is uncertain due to the absence of conclusive functional and genetic evidence.

Ambry Genetics
Classification: Likely benign for Inborn genetic diseases. Last evaluated: 2022-10-25. Review status: criteria provided, single submitter. Criteria: Ambry Variant Classification Scheme 2023. Collection method: clinical testing. Allele origin: germline.

GeneDx
Classification: Likely benign. Last evaluated: 2020-12-10. Review status: criteria provided, single submitter. Criteria: GeneDx Variant Classification Process June 2021. Collection method: clinical testing. Allele origin: germline. Affected: yes.

Genetics and Molecular Pathology, SA Pathology
Classification: Uncertain significance for Neurodevelopmental disorder with hypotonia, impaired language, and dysmorphic features. Last evaluated: 2020-04-23. Review status: criteria provided, single submitter. Criteria: ACMG Guidelines, 2015. Collection method: clinical testing. Allele origin: germline. Affected: yes.
Comment: The TRIO c.8824C>G variant is a single nucleotide change from a cytosine to a guanine at position 8824 which is predicted to change the glutamine at position 2942 in the protein to glutamic acid. The variant is in exon 57 and located in the protein kinase domain. The variant has not been described in the literature to date. The variant has been reported in dbSNP (rs377248579) and in population databases (gnomAD 20/282842, 0 homozygotes) (PM2 not applied). The variant has been reported in ClinVar as VUS by another diagnostic laboratory (Variation ID 596521). Computational predictions are conflicting (neither BP4 or PP3 applied).

Eurofins Ntd Llc (ga)
Classification: Uncertain significance. Last evaluated: 2018-03-15. Review status: criteria provided, single submitter. Criteria: EGL ClinVar v180209 classification definitions. Collection method: clinical testing. Allele origin: germline. Observed: 1 variant allele, 1 heterozygote.

Department of Pathology and Laboratory Medicine, Sinai Health System
Classification: Uncertain significance. Review status: no assertion criteria provided. Collection method: clinical testing. Allele origin: unknown. Affected: yes. Study: The Canadian Open Genetics Repository (COGR). Not counted in ClinVar's aggregate classification.
Comment: The TRIO p.Gln2942Glu variant was not identified in the literature nor was it identified in LOVD 3.0. The variant was identified in dbSNP (ID: rs377248579) and ClinVar (classified as uncertain significance by EGL Genetic Diagnostics). The variant was identified in control databases in 20 of 282842 chromosomes at a frequency of 0.00007071 (Genome Aggregation Database March 6, 2019, v2.1.1). The variant was observed in the following populations: Other in 1 of 7224 chromosomes (freq: 0.000138), European (non-Finnish) in 17 of 129160 chromosomes (freq: 0.000132) and Latino in 2 of 35440 chromosomes (freq: 0.000056), but was not observed in the African, Ashkenazi Jewish, East Asian, European (Finnish), or South Asian populations. The p.Gln2942 residue is conserved in mammals and computational analyses (PolyPhen-2, SIFT, AlignGVGD, BLOSUM, MutationTaster) provide inconsistent predictions regarding the impact to the protein; this information is not very predictive of pathogenicity. The variant occurs outside of the splicing consensus sequence and in silico or computational prediction software programs (SpliceSiteFinder, MaxEntScan, NNSPLICE, GeneSplicer) do not predict a difference in splicing. In summary, based on the above information the clinical significance of this variant cannot be determined with certainty at this time. This variant is classified as a variant of uncertain significance.